The following is an entry in ClinVar:

ClinVar aggregate classification (germline): Uncertain significance (1 of 4 stars; one submission).

Allele frequency attached by ClinVar (database versions not stated): TOPMed below 0.00001; gnomAD 0.00001.
gnomAD v4.1: 1 of 1,614,060 alleles (0.000062%); highest among the groups gnomAD compares: Admixed American, 0.0017%; no homozygotes.

Submission:

Labcorp Genetics (formerly Invitae), Labcorp
Classification: Uncertain significance. Last evaluated: 2022-07-06. Review status: criteria provided, single submitter. Criteria: Invitae Variant Classification Sherloc (09022015). Collection method: clinical testing. Allele origin: germline.
Comment: This sequence change replaces asparagine, which is neutral and polar, with threonine, which is neutral and polar, at codon 464 of the REL protein (p.Asn464Thr). This variant is not present in population databases (gnomAD no frequency). This variant has not been reported in the literature in individuals affected with REL-related conditions. Algorithms developed to predict the effect of missense changes on protein structure and function (SIFT, PolyPhen-2, Align-GVGD) all suggest that this variant is likely to be tolerated. In summary, the available evidence is currently insufficient to determine the role of this variant in disease. Therefore, it has been classified as a Variant of Uncertain Significance.

NM_001291746.2(REL):c.1295A>C (p.Asn432Thr)

Gene: REL (REL proto-oncogene, NF-kB subunit; plus strand). Cytogenetic location: 2p16.1.
Variant type: single nucleotide variant.
Coding change: c.1295A>C on transcript NM_001291746.2 (MANE Select); coding-DNA position 1295, A replaced by C.
Protein change: p.Asn432Thr; replaces asparagine 432 with threonine.
Molecular consequence: missense variant.
Genome position (GRCh38, 1-based): chr2:60,922,066, A>C. VCF-style: chr2-60922066-A-C. GRCh37 (hg19) VCF-style: chr2-61149201-A-C.
Other names: c.1391A>C, p.Asn464Thr (NM_002908.4); short protein forms N432T, N464T.
Identifiers: ClinVar variation 2091696 (VCV002091696.1), dbSNP rs1674157298, ClinGen allele CA347044455.